The following is an entry in ClinVar:

NM_002474.3(MYH11):c.633+1_633+3del

Gene: MYH11 (myosin heavy chain 11; minus strand). Cytogenetic location: 16p13.11.
Variant type: Deletion.
Coding change: c.633+1_633+3del on transcript NM_002474.3 (MANE Select); the canonical splice donor site of the intron after coding-DNA position 633 through 3 bases into the intron after coding-DNA position 633, 3 bases deleted (GTG; older notation c.633+1_633+3delGTG).
Molecular consequence: splice donor variant.
Genome position (GRCh38, 1-based): chr16:15,786,627-15,786,629, CAC deleted on the plus strand (GTG on the coding strand, the reverse complement: MYH11 is on the minus strand); deleting any 3 consecutive bases within chr16:15,786,627-15,786,630 gives the same sequence; the c. name uses the placement nearest the transcript's 3' end. VCF-style (leftmost placement, unchanged base first): chr16-15786626-TCAC-T. GRCh37 (hg19) VCF-style: chr16-15880483-TCAC-T.
Other names: c.633+1_633+3del (NM_022844.3, NM_001040114.2, NM_001040113.2).
Identifiers: ClinVar variation 3387260 (VCV003387260.1).

ClinVar aggregate classification (germline): Uncertain significance (1 of 4 stars; one submission).

Conditions:
Familial thoracic aortic aneurysm and aortic dissection (TAAD). Also called: Thoracic aortic aneurysms and dissections. Identifiers: Orphanet 91387, MedGen C4707243, MONDO:0019625.

Submission:

All of Us Research Program, National Institutes of Health
Classification: Uncertain significance for Familial thoracic aortic aneurysm and aortic dissection. Last evaluated: 2024-09-17. Review status: criteria provided, single submitter. Criteria: ACMG Guidelines, 2015. Collection method: clinical testing. Allele origin: germline. Inheritance: Autosomal dominant inheritance. Observed: 1 variant allele, 1 heterozygote.
Comment: This study involves interpretation of variants in research participants for the purpose of population health screening. Participant phenotype was not available at the time of variant classification. Additional details can be found in publication PMID: 35346344, PMCID: PMC8962531